The following is an entry in ClinVar:

NM_000070.3(CAPN3):c.1060G>A (p.Val354Met)

Gene: CAPN3 (calpain 3; plus strand). Cytogenetic location: 15q15.1.
Variant type: single nucleotide variant.
Coding change: c.1060G>A on transcript NM_000070.3 (MANE Select); coding-DNA position 1060, G replaced by A.
Protein change: p.Val354Met; replaces valine 354 with methionine.
Molecular consequence: missense variant.
Genome position (GRCh38, 1-based): chr15:42,394,286, G>A. VCF-style: chr15-42394286-G-A. GRCh37 (hg19) VCF-style: chr15-42686484-G-A.
Other names: c.1060G>A, p.Val354Met (NM_024344.2); c.916G>A, p.Val306Met (NM_173087.2); short protein forms V306M, V354M.
Identifiers: ClinVar variation 4525969 (VCV004525969.1).

ClinVar aggregate classification (germline): Uncertain significance (1 of 4 stars; one submission).

Submission:

Women's Health and Genetics/Laboratory Corporation of America, LabCorp
Classification: Uncertain significance. Last evaluated: 2025-07-11. Review status: criteria provided, single submitter. Criteria: LabCorp Variant Classification Summary - May 2015. Collection method: clinical testing. Allele origin: germline.
Comment: Variant summary: CAPN3 c.1060G>A (p.Val354Met) results in a conservative amino acid change in the encoded protein sequence. Algorithms developed to predict the effect of missense changes on protein structure and function are either unavailable or do not agree on the potential impact of this missense change. The variant allele was found at a frequency of 5.8e-06 in 172960 control chromosomes. The available data on variant occurrences in the general population are insufficient to allow any conclusion about variant significance. To our knowledge, no occurrence of c.1060G>A in individuals affected with Limb-Girdle Muscular Dystrophy, Autosomal Recessive and no experimental evidence demonstrating its impact on protein function have been reported. No submitters have cited clinical-significance assessments for this variant to ClinVar. Based on the evidence outlined above, the variant was classified as uncertain significance.